The following is an entry in ClinVar:

NM_000059.4(BRCA2):c.2239G>A (p.Glu747Lys)

Gene: BRCA2 (BRCA2 DNA repair associated; plus strand). Cytogenetic location: 13q13.1.
Variant type: single nucleotide variant.
Coding change: c.2239G>A on transcript NM_000059.4 (MANE Select); coding-DNA position 2239, G replaced by A.
Protein change: p.Glu747Lys; replaces glutamic acid 747 with lysine.
Molecular consequence: missense variant.
Genome position (GRCh38, 1-based): chr13:32,336,594, G>A. VCF-style: chr13-32336594-G-A. GRCh37 (hg19) VCF-style: chr13-32910731-G-A.
Other names: short protein forms E747K.
Identifiers: ClinVar variation 382284 (VCV000382284.16), dbSNP rs878853561, ClinGen allele CA16607460.

ClinVar aggregate classification (germline): Conflicting classifications of pathogenicity. Review status: criteria provided, conflicting classifications (1 of 4 stars). 6 submissions from 6 submitters: Uncertain significance (4); Likely benign (2). Last evaluated 2025-12-29.

Conditions:
Hereditary cancer-predisposing syndrome. Also called: Tumor predisposition; Hereditary neoplastic syndrome; Neoplastic Syndromes, Hereditary; Hereditary Cancer Syndrome. Identifiers: Orphanet 140162, MedGen C0027672, MeSH D009386, MONDO:0015356.
Hereditary breast ovarian cancer syndrome. Also called: Hereditary breast and/or ovarian cancer syndrome; Hereditary breast and ovarian cancer syndrome; Hereditary breast and ovarian cancer syndrome (HBOC); Hereditary breast and ovarian cancer; BRCA1- and BRCA2-Associated Hereditary Breast and Ovarian Cancer; Breast and ovarian cancer. Identifiers: Orphanet 145, MedGen C0677776, MeSH D061325, MONDO:0003582. Disease mechanism: loss of function.

Allele frequency attached by ClinVar (database versions not stated): TOPMed below 0.00001.

Submissions (6):

Center for Genomic Medicine, Rigshospitalet, Copenhagen University Hospital
Classification: Likely benign. Last evaluated: 2025-12-29. Review status: criteria provided, single submitter. Criteria: ACMG Guidelines, 2015. Collection method: clinical testing. Allele origin: germline.
Comment: Classification criteria: BP1_strong

GeneDx
Classification: Uncertain significance. Last evaluated: 2025-09-10. Review status: criteria provided, single submitter. Criteria: GeneDx Variant Classification Process June 2021. Collection method: clinical testing. Allele origin: germline. Affected: yes.
Comment: Not observed at significant frequency in large population cohorts (gnomAD); In silico analysis supports that this missense variant has a deleterious effect on protein structure/function; Also known as 2467G>A; This variant is associated with the following publications: (PMID: 39202057, 35864222)

Ambry Genetics
Classification: Uncertain significance for Hereditary cancer-predisposing syndrome. Last evaluated: 2025-06-13. Review status: criteria provided, single submitter. Criteria: Ambry Variant Classification Scheme 2023. Collection method: clinical testing. Allele origin: germline.
Comment: The p.E747K variant (also known as c.2239G>A), located in coding exon 10 of the BRCA2 gene, results from a G to A substitution at nucleotide position 2239. The glutamic acid at codon 747 is replaced by lysine, an amino acid with similar properties. This variant was identified amongst a cohort of 3984 individuals diagnosed with breast cancer undergoing BRCA1/2 genetic testing (Yao L et al. J Hum Genet, 2022 Nov;67:639-642). This amino acid position is not well conserved in available vertebrate species. In addition, the in silico prediction for this alteration is inconclusive. Based on the available evidence, the clinical significance of this variant remains unclear.

Labcorp Genetics (formerly Invitae), Labcorp
Classification: Uncertain significance for Hereditary breast ovarian cancer syndrome. Last evaluated: 2025-03-31. Review status: criteria provided, single submitter. Criteria: Invitae Variant Classification Sherloc (09022015). Collection method: clinical testing. Allele origin: germline.
Comment: This sequence change replaces glutamic acid, which is acidic and polar, with lysine, which is basic and polar, at codon 747 of the BRCA2 protein (p.Glu747Lys). This variant is not present in population databases (gnomAD no frequency). This variant has not been reported in the literature in individuals affected with BRCA2-related conditions. ClinVar contains an entry for this variant (Variation ID: 382284). Invitae Evidence Modeling of protein sequence and biophysical properties (such as structural, functional, and spatial information, amino acid conservation, physicochemical variation, residue mobility, and thermodynamic stability) indicates that this missense variant is not expected to disrupt BRCA2 protein function with a negative predictive value of 95%. In summary, the available evidence is currently insufficient to determine the role of this variant in disease. Therefore, it has been classified as a Variant of Uncertain Significance.

University of Washington Department of Laboratory Medicine, University of Washington
Classification: Likely benign for Hereditary cancer-predisposing syndrome. Last evaluated: 2023-03-23. Review status: criteria provided, single submitter. Criteria: Dines et al. (Genet Med. 2020). Collection method: curation. Allele origin: germline.
Comment: Missense variant in a coldspot region where missense variants are very unlikely to be pathogenic (PMID:31911673).

BRCA2 exon 11 coldspot. Reclassification based on statistical prior probability.

Quest Diagnostics Nichols Institute San Juan Capistrano
Classification: Uncertain significance. Last evaluated: 2021-03-08. Review status: criteria provided, single submitter. Criteria: Quest Diagnostics criteria. Collection method: clinical testing. Allele origin: unknown.

Literature cited by the submitters: PubMed 35864222 (cited by Ambry Genetics).